The following is an entry in ClinVar:

ClinVar aggregate classification (germline): Uncertain significance (1 of 4 stars; one submission).

gnomAD v4.1: 1 of 1,614,000 alleles (0.000062%); highest among the groups gnomAD compares: Non-Finnish European, 0.000085%; no homozygotes.

Submission:

Labcorp Genetics (formerly Invitae), Labcorp
Classification: Uncertain significance. Last evaluated: 2024-05-10. Review status: criteria provided, single submitter. Criteria: Invitae Variant Classification Sherloc (09022015). Collection method: clinical testing. Allele origin: germline.
Comment: This sequence change replaces phenylalanine, which is neutral and non-polar, with leucine, which is neutral and non-polar, at codon 1593 of the SPTBN2 protein (p.Phe1593Leu). This variant is not present in population databases (gnomAD no frequency). This variant has not been reported in the literature in individuals affected with SPTBN2-related conditions. Advanced modeling of protein sequence and biophysical properties (such as structural, functional, and spatial information, amino acid conservation, physicochemical variation, residue mobility, and thermodynamic stability) performed at Invitae indicates that this missense variant is not expected to disrupt SPTBN2 protein function with a negative predictive value of 80%. In summary, the available evidence is currently insufficient to determine the role of this variant in disease. Therefore, it has been classified as a Variant of Uncertain Significance.

NM_006946.4(SPTBN2):c.4779C>A (p.Phe1593Leu)

Gene: SPTBN2 (spectrin beta, non-erythrocytic 2; minus strand). Cytogenetic location: 11q13.2.
Variant type: single nucleotide variant.
Coding change: c.4779C>A on transcript NM_006946.4 (MANE Select); coding-DNA position 4779, C replaced by A.
Protein change: p.Phe1593Leu; replaces phenylalanine 1593 with leucine.
Molecular consequence: missense variant.
Genome position (GRCh38, 1-based): chr11:66,693,261, G>T on the plus strand (C>A on the coding strand, the complement: SPTBN2 is on the minus strand). VCF-style: chr11-66693261-G-T. GRCh37 (hg19) VCF-style: chr11-66460732-G-T.
Other names: c.4800C>A, p.Phe1600Leu (NM_001411025.1); short protein forms F1600L, F1593L.
Identifiers: ClinVar variation 2799112 (VCV002799112.3), dbSNP rs771877691, ClinGen allele CA381469146.
Genomic context (GRCh38, chr11:66,693,261, plus strand): 5'-GCCCATCATGTGTAATTCCTGCTCGCCCATCCAGGCCTCCGCCTCGGCGGCATCGCGGTA[G>T]AACTGCTGGGCTCGCAGGGCATCCTCCAGTCGCTTCCCTCGAAGTTCCAGCTCGTGGCCC-3'
Protein context (NP_008877.2, residues 1583-1603): RLEDALRAQQ[Phe1593Leu]YRDAAEAEAW